The following is an entry in ClinVar:

ClinVar aggregate classification (germline): Benign/Likely benign. Review status: criteria provided, multiple submitters, no conflicts (2 of 4 stars). 3 submissions from 3 submitters: Benign (1); Likely benign (2). Last evaluated 2025-06-03.

Conditions:
Tuberous sclerosis 2 (TSC2). Identifiers: Orphanet 805, MedGen C1860707, MONDO:0013199, OMIM 613254.
Hereditary cancer-predisposing syndrome. Also called: Hereditary neoplastic syndrome; Neoplastic Syndromes, Hereditary; Tumor predisposition; Hereditary Cancer Syndrome. Identifiers: Orphanet 140162, MedGen C0027672, MeSH D009386, MONDO:0015356.

Allele frequency attached by ClinVar (database versions not stated): TOPMed below 0.00001.

Submissions (3):

Myriad Genetics, Inc.
Classification: Benign for Tuberous sclerosis 2. Last evaluated: 2025-06-03. Review status: criteria provided, single submitter. Criteria: Myriad Autosomal Dominant, Autosomal Recessive and X-Linked Classification Criteria (2023). Collection method: clinical testing. Allele origin: unknown.
Comment: This variant is considered benign. This variant is a silent/synonymous amino acid change and it is not expected to impact splicing.

Labcorp Genetics (formerly Invitae), Labcorp
Classification: Likely benign for Tuberous sclerosis 2. Last evaluated: 2024-01-06. Review status: criteria provided, single submitter. Criteria: Invitae Variant Classification Sherloc (09022015). Collection method: clinical testing. Allele origin: germline.

Ambry Genetics
Classification: Likely benign for Hereditary cancer-predisposing syndrome. Last evaluated: 2022-12-25. Review status: criteria provided, single submitter. Criteria: Ambry Variant Classification Scheme 2023. Collection method: clinical testing. Allele origin: germline.

NM_000548.5(TSC2):c.4227G>T (p.Arg1409=)

Gene: TSC2 (TSC complex subunit 2; plus strand). Cytogenetic location: 16p13.3.
Variant type: single nucleotide variant.
Coding change: c.4227G>T on transcript NM_000548.5 (MANE Select); coding-DNA position 4227, G replaced by T.
Protein change: p.Arg1409=; no amino-acid change (arginine 1409 retained).
Molecular consequence: synonymous variant.
Genome position (GRCh38, 1-based): chr16:2,084,449, G>T. VCF-style: chr16-2084449-G-T. GRCh37 (hg19) VCF-style: chr16-2134450-G-T.
Other names: c.4026G>T, p.Arg1342= (NM_001077183.3); c.4158G>T, p.Arg1386= (NM_001114382.3); c.3918G>T, p.Arg1306= (NM_001318827.2); c.3882G>T, p.Arg1294= (NM_001318829.2); c.3495G>T, p.Arg1165= (NM_001318831.2); c.4059G>T, p.Arg1353= (NM_001318832.2); c.4029G>T, p.Arg1343= (NM_001363528.2); c.4095G>T, p.Arg1365= (NM_001370404.1); and 1 more.
Identifiers: ClinVar variation 468072 (VCV000468072.13), dbSNP rs1555514188, ClinGen allele CA493043272.